The following is an entry in ClinVar:

ClinVar aggregate classification (germline): Likely pathogenic. Review status: criteria provided, multiple submitters, no conflicts (2 of 4 stars). 2 submissions from 2 submitters: Likely pathogenic (2). Last evaluated 2025-05-20.

Conditions:
Cardiovascular phenotype. Identifiers: MedGen CN230736.

Submissions (2):

Ambry Genetics
Classification: Likely pathogenic for Cardiovascular phenotype. Last evaluated: 2025-05-20. Review status: criteria provided, single submitter. Criteria: Ambry Variant Classification Scheme 2023. Collection method: clinical testing. Allele origin: germline.
Comment: The c.708C>G (p.N236K) alteration is located in exon 5 (coding exon 5) of the BRAF gene. This alteration results from a C to G substitution at nucleotide position 708, causing the asparagine (N) at amino acid position 236 to be replaced by a lysine (K). This variant was not reported in population-based cohorts in the Genome Aggregation Database (gnomAD). This variant was reported in individual(s) with features consistent with BRAF-related RASopathy; in at least one individual, it was determined to be de novo (external communication). This amino acid position is highly conserved in available vertebrate species. This missense alteration is located in a region that has a low rate of benign missense variation (Lek, 2016; Firth, 2009). The in silico prediction for this alteration is inconclusive. Based on the available evidence, this alteration is classified as likely pathogenic.

GeneDx
Classification: Likely pathogenic. Last evaluated: 2021-07-24. Review status: criteria provided, single submitter. Criteria: GeneDx Variant Classification Process June 2021. Collection method: clinical testing. Allele origin: germline. Affected: yes.
Comment: Not observed in large population cohorts (Lek et al., 2016); The majority of missense variants in this gene are considered pathogenic (Stenson et al., 2014); In silico analysis, which includes protein predictors and evolutionary conservation, supports a deleterious effect; In-silico analysis, which includes splice predictors and evolutionary conservation, is inconclusive as to whether the variant alters gene splicing. In the absence of RNA/functional studies, the actual effect of this sequence change is unknown.; Has not been previously published as pathogenic or benign to our knowledge

NM_004333.6(BRAF):c.708C>G (p.Asn236Lys)

Gene: BRAF (B-Raf proto-oncogene, serine/threonine kinase; minus strand). Cytogenetic location: 7q34.
Variant type: single nucleotide variant.
Coding change: c.708C>G on transcript NM_004333.6 (MANE Select); coding-DNA position 708, C replaced by G.
Protein change: p.Asn236Lys; replaces asparagine 236 with lysine.
Molecular consequence: missense variant.
Genome position (GRCh38, 1-based): chr7:140,807,963, G>C on the plus strand (C>G on the coding strand, the complement: BRAF is on the minus strand). VCF-style: chr7-140807963-G-C. GRCh37 (hg19) VCF-style: chr7-140507763-G-C.
Other names: c.708C>G, p.Asn236Lys (NM_001354609.2, NM_001374244.1, NM_001374258.1 and 4 more transcripts); c.717C>G, p.Asn239Lys (NM_001378467.1); c.606C>G, p.Asn202Lys (NM_001378470.1); c.552C>G, p.Asn184Lys (NM_001378472.1, NM_001378473.1); c.444C>G, p.Asn148Lys (NM_001378475.1); short protein forms N148K, N184K, N202K, N236K, N239K.
Identifiers: ClinVar variation 1320917 (VCV001320917.3), dbSNP rs138333692, ClinGen allele CA369590930.
Genomic context (GRCh38, chr7:140,807,963, plus strand): 5'-CATTCATTAAAATCTAAACATTTTTGACATTTCAAAAAAAAATGTAAAGATACATACAAA[G>C]TTGTGTGTTGTAAGTGGAACATTCTCCAACACTTCCACATGCAATTCTTCTCCAGTAAGC-3'
Protein context (NP_004324.2, residues 226-246): VLENVPLTTH[Asn236Lys]FVRKTFFTLA